The following is an entry in ClinVar:

NM_015272.5(RPGRIP1L):c.2078T>C (p.Ile693Thr)

Gene: RPGRIP1L (RPGRIP1 like; minus strand). Cytogenetic location: 16q12.2.
Variant type: single nucleotide variant.
Coding change: c.2078T>C on transcript NM_015272.5 (MANE Select); coding-DNA position 2078, T replaced by C.
Protein change: p.Ile693Thr; replaces isoleucine 693 with threonine.
Molecular consequence: missense variant.
Genome position (GRCh38, 1-based): chr16:53,652,609, A>G on the plus strand (T>C on the coding strand, the complement: RPGRIP1L is on the minus strand). VCF-style: chr16-53652609-A-G. GRCh37 (hg19) VCF-style: chr16-53686521-A-G.
Other names: c.2078T>C (NM_015272.2); c.2078T>C, p.Ile693Thr (NM_001127897.4, NM_001308334.3, NM_001330538.2); short protein forms I693T.
Identifiers: ClinVar variation 1412030 (VCV001412030.5), dbSNP rs766197081, ClinGen allele CA8057645.

ClinVar aggregate classification (germline): Uncertain significance. Review status: criteria provided, multiple submitters, no conflicts (2 of 4 stars). 3 submissions from 3 submitters: Uncertain significance (3). Last evaluated 2025-08-14.

Conditions:
Meckel syndrome, type 5 (MKS5). Identifiers: Orphanet 564, MedGen C1969052, MONDO:0012695, OMIM 611561.
COACH syndrome 3. Identifiers: MedGen C5436841, MONDO:0030862, OMIM 619113.
Joubert syndrome 7 (JBTS7). Identifiers: Orphanet 220497, MedGen C1969053, MONDO:0012694, OMIM 611560.
Inborn genetic diseases. Identifiers: MedGen C0950123, MeSH D030342.
Joubert syndrome. Also called: CEREBELLOPARENCHYMAL DISORDER IV; JOUBERT-BOLTSHAUSER SYNDROME; Familial aplasia of the vermis. Identifiers: Orphanet 475, MedGen C5979921, MONDO:0018772.
Meckel-Gruber syndrome. Also called: DYSENCEPHALIA SPLANCHNOCYSTICA; GRUBER SYNDROME; Dysencephalia splachnocystica. Identifiers: Orphanet 564, MedGen C0265215, MONDO:0018921.

Allele frequency attached by ClinVar (database versions not stated): gnomAD exomes 0.00001; ExAC 0.00002.
gnomAD v4.1: 3 of 1,614,116 alleles (0.00019%); highest among the groups gnomAD compares: Admixed American, 0.0033%; no homozygotes.

Submissions (3):

Ambry Genetics
Classification: Uncertain significance for Inborn genetic diseases. Last evaluated: 2025-08-14. Review status: criteria provided, single submitter. Criteria: Ambry Variant Classification Scheme 2023. Collection method: clinical testing. Allele origin: germline.

Fulgent Genetics
Classification: Uncertain significance for Joubert syndrome 7; Meckel syndrome, type 5; COACH syndrome 3. Last evaluated: 2024-04-07. Review status: criteria provided, single submitter. Criteria: ACMG Guidelines, 2015. Collection method: clinical testing. Allele origin: germline.

Labcorp Genetics (formerly Invitae), Labcorp
Classification: Uncertain significance for Joubert syndrome; Meckel-Gruber syndrome. Last evaluated: 2022-09-07. Review status: criteria provided, single submitter. Criteria: Invitae Variant Classification Sherloc (09022015). Collection method: clinical testing. Allele origin: germline.
Comment: This sequence change replaces isoleucine, which is neutral and non-polar, with threonine, which is neutral and polar, at codon 693 of the RPGRIP1L protein (p.Ile693Thr). This variant is present in population databases (rs766197081, gnomAD 0.006%). This variant has not been reported in the literature in individuals affected with RPGRIP1L-related conditions. ClinVar contains an entry for this variant (Variation ID: 1412030). Algorithms developed to predict the effect of missense changes on protein structure and function are either unavailable or do not agree on the potential impact of this missense change (SIFT: "Deleterious"; PolyPhen-2: "Benign"; Align-GVGD: "Class C25"). In summary, the available evidence is currently insufficient to determine the role of this variant in disease. Therefore, it has been classified as a Variant of Uncertain Significance.